The following is an entry in ClinVar:

NM_153676.4(USH1C):c.115G>A (p.Val39Met)

Gene: USH1C (USH1 protein network component harmonin; minus strand). Cytogenetic location: 11p15.1.
Variant type: single nucleotide variant.
Coding change: c.115G>A on transcript NM_153676.4 (MANE Select); coding-DNA position 115, G replaced by A.
Protein change: p.Val39Met; replaces valine 39 with methionine.
Molecular consequence: missense variant. On other transcripts: non-coding transcript variant (1).
Genome position (GRCh38, 1-based): chr11:17,531,532, C>T on the plus strand (G>A on the coding strand, the complement: USH1C is on the minus strand). VCF-style: chr11-17531532-C-T. GRCh37 (hg19) VCF-style: chr11-17553079-C-T.
Other names: c.115G>A, p.Val39Met (NM_001297764.2, NM_005709.4); short protein forms V39M.
Identifiers: ClinVar variation 3717546 (VCV003717546.2).

ClinVar aggregate classification (germline): Uncertain significance (1 of 4 stars; one submission).

gnomAD v4.1: 12 of 1,613,200 alleles (0.00074%); highest among the groups gnomAD compares: South Asian, 0.0044%; no homozygotes.

Submission:

Labcorp Genetics (formerly Invitae), Labcorp
Classification: Uncertain significance. Last evaluated: 2025-01-18. Review status: criteria provided, single submitter. Criteria: Invitae Variant Classification Sherloc (09022015). Collection method: clinical testing. Allele origin: germline.
Comment: This sequence change replaces valine, which is neutral and non-polar, with methionine, which is neutral and non-polar, at codon 39 of the USH1C protein (p.Val39Met). This variant is present in population databases (rs781491502, gnomAD 0.007%). This variant has not been reported in the literature in individuals affected with USH1C-related conditions. An algorithm developed to predict the effect of missense changes on protein structure and function (PolyPhen-2) suggests that this variant is likely to be disruptive. In summary, the available evidence is currently insufficient to determine the role of this variant in disease. Therefore, it has been classified as a Variant of Uncertain Significance.